The following is an entry in ClinVar:

ClinVar aggregate classification (germline): Likely pathogenic (1 of 4 stars; one submission).

Conditions:
Primary ciliary dyskinesia 19. Also called: CILIARY DYSKINESIA, PRIMARY, 19, WITH OR WITHOUT SITUS INVERSUS. Identifiers: Orphanet 244, MedGen C3543826, MONDO:0013979, OMIM 614935.

gnomAD v4.1: 4 of 1,600,164 alleles (0.00025%); highest among the groups gnomAD compares: Non-Finnish European, 0.00034%; no homozygotes.

Submission:

Labcorp Genetics (formerly Invitae), Labcorp
Classification: Likely pathogenic for Primary ciliary dyskinesia 19. Last evaluated: 2024-04-14. Review status: criteria provided, single submitter. Criteria: Invitae Variant Classification Sherloc (09022015). Collection method: clinical testing. Allele origin: germline.
Comment: This sequence change affects a donor splice site in intron 4 of the LRRC6 gene. It is expected to disrupt RNA splicing. Variants that disrupt the donor or acceptor splice site typically lead to a loss of protein function (PMID: 16199547), and loss-of-function variants in LRRC6 are known to be pathogenic (PMID: 23122589). This variant is not present in population databases (gnomAD no frequency). This variant has not been reported in the literature in individuals affected with LRRC6-related conditions. Algorithms developed to predict the effect of sequence changes on RNA splicing suggest that this variant may disrupt the consensus splice site. In summary, the currently available evidence indicates that the variant is pathogenic, but additional data are needed to prove that conclusively. Therefore, this variant has been classified as Likely Pathogenic.

Literature cited by the submitters: PubMed 16199547; PubMed 23122589.

NM_012472.6(DNAAF11):c.429+2T>C

Gene: DNAAF11 (dynein axonemal assembly factor 11; minus strand). Cytogenetic location: 8q24.22.
Variant type: single nucleotide variant.
Coding change: c.429+2T>C on transcript NM_012472.6 (MANE Select); the canonical splice donor site of the intron after coding-DNA position 429, T replaced by C.
Molecular consequence: splice donor variant.
Genome position (GRCh38, 1-based): chr8:132,637,933, A>G on the plus strand (T>C on the coding strand, the complement: DNAAF11 is on the minus strand). VCF-style: chr8-132637933-A-G. GRCh37 (hg19) VCF-style: chr8-133650179-A-G.
Other names: c.183+2T>C (NM_001321962.2); c.429+2T>C (NM_001321961.2); c.69+2T>C (NM_001321966.2, NM_001321963.2, NM_001321964.2 and 1 more transcripts).
Identifiers: ClinVar variation 3693809 (VCV003693809.2).
Genomic context (GRCh38, chr8:132,637,933, plus strand): 5'-GAATTATTGTAGTTGCTCATGCTCATTTATCTGTGATTTCTGCACCATTAAAAGAACCAT[A>G]CCTTTAATTGTGGAAGAGTTGCTACCACGAACTCCCTATAGTGGTCAAAGGAAGCACATG-3'